The following is an entry in ClinVar:

ClinVar aggregate classification (germline): Conflicting classifications of pathogenicity. Review status: criteria provided, conflicting classifications (1 of 4 stars). 3 submissions from 3 submitters: Uncertain significance (2); Likely benign (1). Last evaluated 2026-01-06.

Conditions:
Hermansky-Pudlak syndrome 1 (HPS1). Also called: DELTA STORAGE POOL DISEASE. Identifiers: Orphanet 231500, Orphanet 79430, MedGen C2931875, MONDO:0008748, OMIM 203300.

Allele frequency attached by ClinVar (database versions not stated): gnomAD exomes 0.00006 and 0.00014; ExAC 0.00015; ESP Exome Variant Server 0.00038; 1000 Genomes Project 0.00040; gnomAD 0.00044 and 0.00049; TOPMed 0.00045; 1000 Genomes Project 30x 0.00047.

Submissions (3):

Labcorp Genetics (formerly Invitae), Labcorp
Classification: Likely benign. Last evaluated: 2026-01-06. Review status: criteria provided, single submitter. Criteria: Invitae Variant Classification Sherloc (09022015). Collection method: clinical testing. Allele origin: germline.

Fulgent Genetics
Classification: Uncertain significance for Hermansky-Pudlak syndrome 1. Last evaluated: 2024-06-06. Review status: criteria provided, single submitter. Criteria: ACMG Guidelines, 2015. Collection method: clinical testing. Allele origin: germline.

GeneDx
Classification: Uncertain significance. Last evaluated: 2019-10-24. Review status: criteria provided, single submitter. Criteria: GeneDx Variant Classification Process June 2021. Collection method: clinical testing. Allele origin: germline. Affected: yes.
Comment: Has not been previously published as pathogenic or benign to our knowledge; In silico analysis, which includes protein predictors and evolutionary conservation, supports that this variant does not alter protein structure/function

NM_000195.5(HPS1):c.1897G>A (p.Asp633Asn)

Gene: HPS1 (HPS1 biogenesis of lysosomal organelles complex 3 subunit 1; minus strand). Cytogenetic location: 10q24.2.
Variant type: single nucleotide variant.
Coding change: c.1897G>A on transcript NM_000195.5 (MANE Select); coding-DNA position 1897, G replaced by A.
Protein change: p.Asp633Asn; replaces aspartic acid 633 with asparagine.
Molecular consequence: missense variant.
Genome position (GRCh38, 1-based): chr10:98,418,218, C>T on the plus strand (G>A on the coding strand, the complement: HPS1 is on the minus strand). VCF-style: chr10-98418218-C-T. GRCh37 (hg19) VCF-style: chr10-100177975-C-T.
Other names: c.925G>A, p.Asp309Asn (NM_001322487.2, NM_001322489.2, NM_001311345.2); c.1897G>A, p.Asp633Asn (NM_001322476.2, NM_001322477.2); c.1798G>A, p.Asp600Asn (NM_001322478.2, NM_001322479.2); c.1636G>A, p.Asp546Asn (NM_001322480.2, NM_001322481.2); c.1537G>A, p.Asp513Asn (NM_001322482.2); c.1528G>A, p.Asp510Asn (NM_001322483.2, NM_001322484.2); c.1429G>A, p.Asp477Asn (NM_001322485.2); short protein forms D309N, D477N, D510N, D513N, D546N, D600N, D633N.
Identifiers: ClinVar variation 1309349 (VCV001309349.7), dbSNP rs150740880, ClinGen allele CA5638845.